The following is an entry in ClinVar:

NM_032436.4(CHAMP1):c.1567dup (p.Thr523fs)

Gene: CHAMP1 (chromosome alignment maintaining phosphoprotein 1; plus strand). Cytogenetic location: 13q34.
Variant type: Duplication.
Coding change: c.1567dup on transcript NM_032436.4 (MANE Select); coding-DNA position 1567, one base duplicated (A; older notation c.1567dupA).
Protein change: p.Thr523fs; shifts the reading frame from threonine 523.
Molecular consequence: frameshift variant.
Genome position (GRCh38, 1-based): chr13:114,325,409, A duplicated. VCF-style (leftmost placement, unchanged base first): chr13-114325408-T-TA. GRCh37 (hg19) VCF-style: chr13-115090883-T-TA.
Other names: c.1567dup, p.Thr523fs (NM_001164144.3, NM_001164145.3); short protein forms T523fs.
Identifiers: ClinVar variation 5018835 (VCV005018835.1).

ClinVar aggregate classification (germline): Uncertain significance (1 of 4 stars; one submission).

Conditions:
Neurodevelopmental disorder with hypotonia, impaired language, and dysmorphic features. Also called: Intellectual disability, autosomal dominant 40. Identifiers: Orphanet 692193, MedGen C5676894, MONDO:0014699, OMIM 616579.

Submission:

Juno Genomics, Hangzhou Juno Genomics, Inc
Classification: Uncertain significance for Neurodevelopmental disorder with hypotonia, impaired language, and dysmorphic features. Review status: criteria provided, single submitter. Criteria: ACMG Guidelines, 2015. Collection method: clinical testing. Allele origin: germline. Affected: yes.
Comment: Absent from controls (or at extremely low frequency if recessive) in Genome Aggregation Database.;Null variant in a gene where loss of function (LOF) is a known mechanism of disease.;Patient's phenotype or family history is highly specific for a disease with a single genetic etiology.